The following is an entry in ClinVar:

Single allele

Variant type: Deletion.
Identifiers: ClinVar variation 157158 (VCV000157158.2).

ClinVar aggregate classification (germline): not provided (0 of 4 stars; one submission).

Conditions:
Preeclampsia. Identifiers: Orphanet 275555, MedGen C0032914, MONDO:0005081, HP:0100602.

Submission:

Institute of Molecular and Cell Biology, University of Tartu
No classification provided. Condition: Preeclampsia. Review status: no classification provided. Collection method: case-control. Allele origin: unknown. Affected: yes. Study: Kasak2014.
Comment: The study aimed to determine the contribution of copy number variants in the genetic etiology of normal and complicated pregnancies. The samples represented (i) maternal blood DNA drawn from healthy pregnant women during 1st or 2nd trimester and (ii) maternal and paternal blood DNA drawn at term pregnancy cases representing normal and complicated gestations (severe preeclampsia, PE; gestational diabetes, GD; small-for-gestational age newborn, SGA; large-for-gestational age newborn, LGA). We performed CNV calling based on genome-wide genotyping dataset (Illumina HumanOmniExpress-24-v1 BeadChip) by applying three algorithms, QuantiSNP, GADA (Genome Alteration Detection Algorithm) and CNstream in parallel. The acquired CNV calls were merged with HD-CNV (Hotspot Detector for Copy Number Variants) program and only the CNVs predicted by at least two programs, were considered in subsequent analysis.

Literature cited by the submitters: PubMed 25666259.